The following is an entry in ClinVar:

NM_004614.5(TK2):c.74C>G (p.Pro25Arg)

Genes: TK2 (thymidine kinase 2; minus strand), LOC130059156 (ATAC-STARR-seq lymphoblastoid silent region 7560; plus strand). Cytogenetic location: 16q21.
Variant type: single nucleotide variant.
Coding change: c.74C>G on transcript NM_004614.5 (MANE Select); coding-DNA position 74, C replaced by G.
Protein change: p.Pro25Arg; replaces proline 25 with arginine.
Molecular consequence: missense variant. On other transcripts: 5 prime UTR variant (2), non-coding transcript variant (1), intron variant (2).
Genome position (GRCh38, 1-based): chr16:66,549,988, G>C on the plus strand (C>G on the coding strand, the complement: TK2 is on the minus strand). VCF-style: chr16-66549988-G-C. GRCh37 (hg19) VCF-style: chr16-66583891-G-C.
Other names: c.74C>G, p.Pro25Arg (NM_001172644.2, NM_001172645.2); c.-169C>G (NM_001271934.2); c.-579C>G (NM_001272050.2); c.31+265C>G (NM_001271935.1, NM_001172643.1); short protein forms P25R.
Identifiers: ClinVar variation 1384795 (VCV001384795.6), dbSNP rs1965742117, ClinGen allele CA396193659.

ClinVar aggregate classification (germline): Uncertain significance (1 of 4 stars; one submission).

Submission:

Labcorp Genetics (formerly Invitae), Labcorp
Classification: Uncertain significance. Last evaluated: 2021-05-21. Review status: criteria provided, single submitter. Criteria: Invitae Variant Classification Sherloc (09022015). Collection method: clinical testing. Allele origin: germline.
Comment: In summary, the available evidence is currently insufficient to determine the role of this variant in disease. Therefore, it has been classified as a Variant of Uncertain Significance. Advanced modeling of protein sequence and biophysical properties (such as structural, functional, and spatial information, amino acid conservation, physicochemical variation, residue mobility, and thermodynamic stability) performed at Invitae indicates that this missense variant is not expected to disrupt TK2 protein function. This variant has not been reported in the literature in individuals with TK2-related conditions. The frequency data for this variant in the population databases is considered unreliable, as metrics indicate insufficient coverage at this position in the ExAC database. This sequence change replaces proline with arginine at codon 25 of the TK2 protein (p.Pro25Arg). The proline residue is moderately conserved and there is a moderate physicochemical difference between proline and arginine.